The following is an entry in ClinVar:

ClinVar aggregate classification (germline): Uncertain significance. Review status: criteria provided, multiple submitters, no conflicts (2 of 4 stars). 3 submissions from 3 submitters: Uncertain significance (3). Last evaluated 2024-11-13.

Conditions:
Inborn genetic diseases. Identifiers: MedGen C0950123, MeSH D030342.

Allele frequency attached by ClinVar (database versions not stated): gnomAD exomes 0.00003; TOPMed 0.00006; ESP Exome Variant Server 0.00008; ExAC 0.00003; gnomAD 0.00004.
gnomAD v4.1: 164 of 1,597,076 alleles (0.01%); highest among the groups gnomAD compares: Middle Eastern, 0.017%; no homozygotes.

Submissions (3):

Ambry Genetics
Classification: Uncertain significance for Inborn genetic diseases. Last evaluated: 2024-11-13. Review status: criteria provided, single submitter. Criteria: Ambry Variant Classification Scheme 2023. Collection method: clinical testing. Allele origin: germline.

Labcorp Genetics (formerly Invitae), Labcorp
Classification: Uncertain significance. Last evaluated: 2022-08-03. Review status: criteria provided, single submitter. Criteria: Invitae Variant Classification Sherloc (09022015). Collection method: clinical testing. Allele origin: germline.
Comment: In summary, the available evidence is currently insufficient to determine the role of this variant in disease. Therefore, it has been classified as a Variant of Uncertain Significance. Algorithms developed to predict the effect of missense changes on protein structure and function (SIFT, PolyPhen-2, Align-GVGD) all suggest that this variant is likely to be tolerated. ClinVar contains an entry for this variant (Variation ID: 1256153). This variant has not been reported in the literature in individuals affected with HSPG2-related conditions. The frequency data for this variant in the population databases is considered unreliable, as metrics indicate poor data quality at this position in the gnomAD database. This sequence change replaces proline, which is neutral and non-polar, with leucine, which is neutral and non-polar, at codon 1501 of the HSPG2 protein (p.Pro1501Leu).

Athena Diagnostics
Classification: Uncertain significance. Last evaluated: 2020-09-21. Review status: criteria provided, single submitter. Criteria: Athena Diagnostics criteria. Collection method: clinical testing. Allele origin: unknown.

NM_005529.7(HSPG2):c.4502C>T (p.Pro1501Leu)

Gene: HSPG2 (heparan sulfate proteoglycan 2; minus strand). Cytogenetic location: 1p36.12.
Variant type: single nucleotide variant.
Coding change: c.4502C>T on transcript NM_005529.7 (MANE Select); coding-DNA position 4502, C replaced by T.
Protein change: p.Pro1501Leu; replaces proline 1501 with leucine.
Molecular consequence: missense variant.
Genome position (GRCh38, 1-based): chr1:21,864,967, G>A on the plus strand (C>T on the coding strand, the complement: HSPG2 is on the minus strand). VCF-style: chr1-21864967-G-A. GRCh37 (hg19) VCF-style: chr1-22191460-G-A.
Other names: c.4505C>T, p.Pro1502Leu (NM_001291860.2); c.4502C>T (NM_005529.5); short protein forms P1501L, P1502L.
Identifiers: ClinVar variation 1256153 (VCV001256153.8), dbSNP rs371955842, ClinGen allele CA672253.